The following is an entry in ClinVar:

NM_016188.5(ACTL6B):c.1261G>A (p.Val421Met)

Gene: ACTL6B (actin like 6B; minus strand). Cytogenetic location: 7q22.1.
Variant type: single nucleotide variant.
Coding change: c.1261G>A on transcript NM_016188.5 (MANE Select); coding-DNA position 1261, G replaced by A.
Protein change: p.Val421Met; replaces valine 421 with methionine.
Molecular consequence: missense variant. On other transcripts: non-coding transcript variant (1).
Genome position (GRCh38, 1-based): chr7:100,643,266, C>T on the plus strand (G>A on the coding strand, the complement: ACTL6B is on the minus strand). VCF-style: chr7-100643266-C-T. GRCh37 (hg19) VCF-style: chr7-100240889-C-T.
Other names: short protein forms V421M.
Identifiers: ClinVar variation 3239368 (VCV003239368.21), dbSNP rs377432568.

ClinVar aggregate classification (germline): Uncertain significance. Review status: criteria provided, multiple submitters, no conflicts (2 of 4 stars). 3 submissions from 3 submitters: Uncertain significance (3). Last evaluated 2024-05-01.

Conditions:
Intellectual developmental disorder with severe speech and ambulation defects. Identifiers: MedGen C5193115, MONDO:0032770, OMIM 618470.

Allele frequency attached by ClinVar (database versions not stated): ExAC 0.00001; ESP Exome Variant Server 0.00008.

Submissions (3):

CeGaT Center for Human Genetics Tuebingen
Classification: Uncertain significance. Last evaluated: 2024-05-01. Review status: criteria provided, single submitter. Criteria: CeGaT Center For Human Genetics Tuebingen Variant Classification Criteria Version 2. Collection method: clinical testing. Allele origin: germline. Affected: yes. Observed: 1 variant allele.
Comment: ACTL6B: PM2, PP2, PP3

3billion
Classification: Uncertain significance for Intellectual developmental disorder with severe speech and ambulation defects. Last evaluated: 2023-10-16. Review status: criteria provided, single submitter. Criteria: ACMG Guidelines, 2015. Collection method: clinical testing. Allele origin: germline. Affected: yes.
Comment: The variant is observed at an extremely low frequency in the gnomAD v2.1.1 dataset (total allele frequency: 0.0004%). Predicted Consequence/Location: Missense changes are a common disease-causing mechanism. In silico tool predictions suggest a damaging effect of the variant on gene or gene product [REVEL: 0.92 (>=0.6, sensitivity 0.68 and specificity 0.92); 3Cnet: 0.95 (>=0.6, sensitivity 0.72 and precision 0.9)]. Therefore, this variant is classified as VUS according to the recommendation of ACMG/AMP guideline.

Blueprint Genetics
Classification: Uncertain significance. Last evaluated: 2021-06-17. Review status: criteria provided, single submitter. Criteria: ACMG Guidelines, 2015. Collection method: clinical testing. Allele origin: germline.